The following is an entry in ClinVar:

NM_001367624.2(ZNF469):c.3542G>A (p.Gly1181Glu)

Gene: ZNF469 (zinc finger protein 469; plus strand). Cytogenetic location: 16q24.2.
Variant type: single nucleotide variant.
Coding change: c.3542G>A on transcript NM_001367624.2 (MANE Select); coding-DNA position 3542, G replaced by A.
Protein change: p.Gly1181Glu; replaces glycine 1181 with glutamic acid.
Molecular consequence: missense variant.
Genome position (GRCh38, 1-based): chr16:88,431,012, G>A. VCF-style: chr16-88431012-G-A. GRCh37 (hg19) VCF-style: chr16-88497420-G-A.
Other names: NM_001127464.1:c.3458G>A; short protein forms G1181E.
Identifiers: ClinVar variation 3232797 (VCV003232797.1), dbSNP rs1301328763, ClinGen allele CA397084977.

ClinVar aggregate classification (germline): Uncertain significance (1 of 4 stars; one submission).

Conditions:
Cardiovascular phenotype. Identifiers: MedGen CN230736.

gnomAD v4.1: 1 of 1,543,560 alleles (0.000065%); highest among the groups gnomAD compares: Non-Finnish European, 0.000087%; no homozygotes.

Submission:

Ambry Genetics
Classification: Uncertain significance for Cardiovascular phenotype. Last evaluated: 2024-02-06. Review status: criteria provided, single submitter. Criteria: Ambry Variant Classification Scheme 2023. Collection method: clinical testing. Allele origin: germline.
Comment: The p.G1153E variant (also known as c.3458G>A), located in coding exon 2 of the ZNF469 gene, results from a G to A substitution at nucleotide position 3458. The glycine at codon 1153 is replaced by glutamic acid, an amino acid with similar properties. This amino acid position is conserved. In addition, this alteration is predicted to be tolerated by in silico analysis. Based on the available evidence, the clinical significance of this alteration remains unclear.